The following is an entry in ClinVar:

ClinVar aggregate classification (germline): Pathogenic (1 of 4 stars; one submission).

Conditions:
Hereditary cancer-predisposing syndrome. Also called: Neoplastic Syndromes, Hereditary; Tumor predisposition; Hereditary Cancer Syndrome; Hereditary neoplastic syndrome. Identifiers: Orphanet 140162, MedGen C0027672, MeSH D009386, MONDO:0015356.

Submission:

Ambry Genetics
Classification: Pathogenic for Hereditary cancer-predisposing syndrome. Last evaluated: 2017-02-20. Review status: criteria provided, single submitter. Criteria: Ambry Variant Classification Scheme 2023. Collection method: clinical testing. Allele origin: germline.
Comment: The EX22_25dup gross duplication spans coding exons 22 through 25 in the ATM gene. Additional analysis to determine breakpoints identified that this duplication is in tandem and is predicted to result in a premature truncation causing a translational frameshift with a predicted alternate stop codon (Ambry internal data). As such, this alteration is interpreted as a disease-causing mutation.

NM_000051.4(ATM):c.3285-2308_3994-1478dup

Gene: ATM (ATM serine/threonine kinase; plus strand). Cytogenetic location: 11q22.3.
Variant type: Duplication.
Coding change: c.3285-2308_3994-1478dup on transcript NM_000051.4 (MANE Select); 2308 bases into the intron before coding-DNA position 3285 through 1478 bases into the intron before coding-DNA position 3994, 8,940 bases duplicated.
Molecular consequence: splice acceptor variant, splice donor variant.
Genome position (GRCh38, 1-based): chr11:108,277,183-108,286,122, 8,940 bases duplicated. GRCh37 (hg19): chr11:108,147,910-108,156,849.
Other names: c.3285-2308_3994-1478dup (NM_001351834.2).
Identifiers: ClinVar variation 1729781 (VCV001729781.2).